The following is an entry in ClinVar:

NM_000214.3(JAG1):c.1308_1325del (p.Cys436_Gly441del)

Gene: JAG1 (jagged canonical Notch ligand 1; minus strand). Cytogenetic location: 20p12.2.
Variant type: Deletion.
Coding change: c.1308_1325del on transcript NM_000214.3 (MANE Select); coding-DNA positions 1308 to 1325, 18 bases deleted (CGACTGTCTTCCCGGCTG).
Protein change: p.Cys436_Gly441del.
Molecular consequence: inframe deletion.
Genome position (GRCh38, 1-based): chr20:10,649,545-10,649,562, CAGCCGGGAAGACAGTCG deleted on the plus strand (CGACTGTCTTCCCGGCTG on the coding strand, the reverse complement: JAG1 is on the minus strand); deleting any 18 consecutive bases within chr20:10,649,545-10,649,565 gives the same sequence; the c. name uses the placement nearest the transcript's 3' end. VCF-style (leftmost placement, unchanged base first): chr20-10649544-CCAGCCGGGAAGACAGTCG-C. GRCh37 (hg19) VCF-style: chr20-10630192-CCAGCCGGGAAGACAGTCG-C.
Identifiers: ClinVar variation 1039375 (VCV001039375.8), dbSNP rs2067332008, ClinGen allele CA2349884235.

ClinVar aggregate classification (germline): Uncertain significance (1 of 4 stars; one submission).

Conditions:
Alagille syndrome due to a JAG1 point mutation. Also called: Alagille Syndrome 1; HEPATIC DUCTULAR HYPOPLASIA, SYNDROMATIC; JAG1-Related Alagille Syndrome. Identifiers: Orphanet 261619, Orphanet 52, MedGen C1956125, MONDO:0016862, OMIM 118450.

Submission:

Labcorp Genetics (formerly Invitae), Labcorp
Classification: Uncertain significance for Alagille syndrome due to a JAG1 point mutation. Last evaluated: 2020-05-04. Review status: criteria provided, single submitter. Criteria: Invitae Variant Classification Sherloc (09022015). Collection method: clinical testing. Allele origin: germline.
Comment: This variant is not present in population databases (ExAC no frequency). This variant, c.1308_1325del, results in the deletion of 6 amino acid(s) of the JAG1 protein (p.Cys436_Gly441del), but otherwise preserves the integrity of the reading frame. This variant has not been reported in the literature in individuals with JAG1-related conditions. In summary, the available evidence is currently insufficient to determine the role of this variant in disease. Therefore, it has been classified as a Variant of Uncertain Significance. Experimental studies and prediction algorithms are not available or were not evaluated, and the functional significance of this variant is currently unknown.